The following is an entry in ClinVar:

GRCh38/hg38 1q43-44(chr1:239558430-248918469)x1

Genes: OR14L1 (olfactory receptor family 14 subfamily L member 1; plus strand), OR1C1 (olfactory receptor family 1 subfamily C member 1; minus strand), OR2AJ1 (olfactory receptor family 2 subfamily AJ member 1; plus strand), OR2AK2 (olfactory receptor family 2 subfamily AK member 2; plus strand), OR2B11 (olfactory receptor family 2 subfamily B member 11; minus strand) and 274 more. Cytogenetic location: 1q43-44.
Variant type: copy number loss.
Change: copy number 1 (one copy instead of two) of chr1:239,558,430-248,918,469 (9.36 Mb, GRCh38 coordinates, 1-based), cytogenetic band 1q43-44.
Identifiers: ClinVar variation 60149 (VCV000060149.1).

ClinVar aggregate classification (germline): Pathogenic (1 of 4 stars; one submission).

Submission:

ISCA site 4
Classification: Pathogenic. Last evaluated: 2011-08-12. Review status: criteria provided, single submitter. Criteria: Kaminsky et al. (Genet Med. 2011). Collection method: clinical testing. Allele origin: unknown. Affected: yes. Observed: 1 variant allele.
Comment: Copy number variation identified through the course of routine clinical cytogenomic testing in postnatal populations. Clinical assertions have been curated as described in Kaminsky et al. 2011.